The following is an entry in ClinVar:

ClinVar aggregate classification (germline): Likely benign. Review status: criteria provided, multiple submitters, no conflicts (2 of 4 stars). 3 submissions from 3 submitters: Likely benign (2). 1 of the submissions does not count toward it. Last evaluated 2026-03-17.

Conditions:
CLCN2-related disorder. Also called: CLCN2-related condition; CLCN2-related disorders.

Allele frequency attached by ClinVar (database versions not stated): gnomAD exomes 0.00001; gnomAD 0.00002; TOPMed 0.00003; ExAC 0.00005; 1000 Genomes Project 0.00040; 1000 Genomes Project 30x 0.00078.
gnomAD v4.1: 20 of 1,614,082 alleles (0.0012%); highest among the groups gnomAD compares: East Asian, 0.018%; no homozygotes.

Submissions (3):

Women's Health and Genetics/Laboratory Corporation of America, LabCorp
Classification: Likely benign. Last evaluated: 2026-03-17. Review status: criteria provided, single submitter. Criteria: LabCorp Variant Classification Summary - May 2015. Collection method: clinical testing. Allele origin: germline.

Labcorp Genetics (formerly Invitae), Labcorp
Classification: Likely benign. Last evaluated: 2022-03-04. Review status: criteria provided, single submitter. Criteria: Invitae Variant Classification Sherloc (09022015). Collection method: clinical testing. Allele origin: germline.

PreventionGenetics, part of Exact Sciences
Classification: Likely benign for CLCN2-related condition. Last evaluated: 2019-06-26. Review status: no assertion criteria provided. Collection method: clinical testing. Allele origin: germline. Not counted in ClinVar's aggregate classification.
Comment: This variant is classified as likely benign based on ACMG/AMP sequence variant interpretation guidelines (Richards et al. 2015 PMID: 25741868, with internal and published modifications).

NM_004366.6(CLCN2):c.694-6C>T

Gene: CLCN2 (chloride voltage-gated channel 2; minus strand). Cytogenetic location: 3q27.1.
Variant type: single nucleotide variant.
Coding change: c.694-6C>T on transcript NM_004366.6 (MANE Select); 6 bases into the intron before coding-DNA position 694, C replaced by T.
Molecular consequence: intron variant.
Genome position (GRCh38, 1-based): chr3:184,357,704, G>A on the plus strand (C>T on the coding strand, the complement: CLCN2 is on the minus strand). VCF-style: chr3-184357704-G-A. GRCh37 (hg19) VCF-style: chr3-184075492-G-A.
Other names: c.694-6C>T (NM_004366.5, NM_001171087.3, NM_001171089.3); c.562-6C>T (NM_001171088.3).
Identifiers: ClinVar variation 2062082 (VCV002062082.7), dbSNP rs201489817, ClinGen allele CA2734391.
Genomic context (GRCh38, chr3:184,357,704, plus strand): 5'-AGCCCACCCCCACGGCACAGGCGGCAGCCAGCATCTCTGTGTTCCGGGATTCATTCTGGC[G>A]AGAGTGGTGGCAAGAGGGGGTCAGCTGTGGGCTCAGCAGCCTCTGCCCCCTACTTGCCCC-3'